The following is an entry in ClinVar:

ClinVar aggregate classification (germline): Uncertain significance (1 of 4 stars; one submission).

Allele frequency attached by ClinVar (database versions not stated): gnomAD exomes below 0.00001.
gnomAD v4.1: 5 of 1,614,116 alleles (0.00031%); highest among the groups gnomAD compares: Non-Finnish European, 0.00042%; no homozygotes.

Submission:

Labcorp Genetics (formerly Invitae), Labcorp
Classification: Uncertain significance. Last evaluated: 2024-02-22. Review status: criteria provided, single submitter. Criteria: Invitae Variant Classification Sherloc (09022015). Collection method: clinical testing. Allele origin: germline.
Comment: This sequence change replaces valine, which is neutral and non-polar, with leucine, which is neutral and non-polar, at codon 635 of the CLCN6 protein (p.Val635Leu). This variant is present in population databases (no rsID available, gnomAD 0.0009%). This variant has not been reported in the literature in individuals affected with CLCN6-related conditions. An algorithm developed to predict the effect of missense changes on protein structure and function (PolyPhen-2) suggests that this variant is likely to be disruptive. In summary, the available evidence is currently insufficient to determine the role of this variant in disease. Therefore, it has been classified as a Variant of Uncertain Significance.

NM_001286.5(CLCN6):c.1903G>T (p.Val635Leu)

Gene: CLCN6 (chloride voltage-gated channel 6; plus strand). Cytogenetic location: 1p36.22.
Variant type: single nucleotide variant.
Coding change: c.1903G>T on transcript NM_001286.5 (MANE Select); coding-DNA position 1903, G replaced by T.
Protein change: p.Val635Leu; replaces valine 635 with leucine.
Molecular consequence: missense variant. On other transcripts: non-coding transcript variant (1).
Genome position (GRCh38, 1-based): chr1:11,836,076, G>T. VCF-style: chr1-11836076-G-T. GRCh37 (hg19) VCF-style: chr1-11896133-G-T.
Other names: c.1837G>T, p.Val613Leu (NM_001256959.2); short protein forms V613L, V635L.
Identifiers: ClinVar variation 3010544 (VCV003010544.3), dbSNP rs969573072, ClinGen allele CA18003663.